The following is an entry in ClinVar:

NM_001009944.3(PKD1):c.12139-7C>T

Gene: PKD1 (polycystin 1, transient receptor potential channel interacting; minus strand). Cytogenetic location: 16p13.3.
Variant type: single nucleotide variant.
Coding change: c.12139-7C>T on transcript NM_001009944.3 (MANE Select); 7 bases into the intron before coding-DNA position 12139, C replaced by T.
Molecular consequence: intron variant.
Genome position (GRCh38, 1-based): chr16:2,090,597, G>A on the plus strand (C>T on the coding strand, the complement: PKD1 is on the minus strand). VCF-style: chr16-2090597-G-A. GRCh37 (hg19) VCF-style: chr16-2140598-G-A.
Other names: c.12136-7C>T (NM_000296.4).
Identifiers: ClinVar variation 3054448 (VCV003054448.2), dbSNP rs371275742, ClinGen allele CA7828759.

ClinVar aggregate classification (germline): Likely benign (0 of 4 stars; one submission).

Conditions:
PKD1-related disorder. Also called: PKD1-related condition.

Allele frequency attached by ClinVar (database versions not stated): gnomAD 0.00002; ESP Exome Variant Server 0.00008; TOPMed 0.00001.
gnomAD v4.1: 66 of 1,608,352 alleles (0.0041%); highest among the groups gnomAD compares: African/African-American, 0.0067%; no homozygotes.

Submission:

PreventionGenetics, part of Exact Sciences
Classification: Likely benign for PKD1-related condition. Last evaluated: 2022-06-27. Review status: no assertion criteria provided. Collection method: clinical testing. Allele origin: germline.
Comment: This variant is classified as likely benign based on ACMG/AMP sequence variant interpretation guidelines (Richards et al. 2015 PMID: 25741868, with internal and published modifications).